The following is an entry in ClinVar:

ClinVar aggregate classification (germline): Uncertain significance (1 of 4 stars; one submission).

Conditions:
Nephronophthisis. Also called: Juvenile Nephronophthisis. Identifiers: Orphanet 655, MedGen C0687120, MONDO:0019005, HP:0000090.

Allele frequency attached by ClinVar (database versions not stated): gnomAD exomes below 0.00001.
gnomAD v4.1: 2 of 1,614,086 alleles (0.00012%); highest among the groups gnomAD compares: Non-Finnish European, 0.00017%; no homozygotes.

Submission:

Labcorp Genetics (formerly Invitae), Labcorp
Classification: Uncertain significance for Nephronophthisis. Last evaluated: 2022-07-26. Review status: criteria provided, single submitter. Criteria: Invitae Variant Classification Sherloc (09022015). Collection method: clinical testing. Allele origin: germline.
Comment: In summary, the available evidence is currently insufficient to determine the role of this variant in disease. Therefore, it has been classified as a Variant of Uncertain Significance. Algorithms developed to predict the effect of missense changes on protein structure and function (SIFT, PolyPhen-2, Align-GVGD) all suggest that this variant is likely to be disruptive. ClinVar contains an entry for this variant (Variation ID: 1355513). This variant has not been reported in the literature in individuals affected with NPHP3-related conditions. This variant is not present in population databases (gnomAD no frequency). This sequence change replaces leucine, which is neutral and non-polar, with serine, which is neutral and polar, at codon 970 of the NPHP3 protein (p.Leu970Ser).

NM_153240.5(NPHP3):c.2909T>C (p.Leu970Ser)

Genes: NPHP3 (nephrocystin 3; minus strand), NPHP3-ACAD11 (NPHP3-ACAD11 readthrough (NMD candidate); minus strand). Cytogenetic location: 3q22.1.
Variant type: single nucleotide variant.
Coding change: c.2909T>C on transcript NM_153240.5 (MANE Select); coding-DNA position 2909, T replaced by C.
Protein change: p.Leu970Ser; replaces leucine 970 with serine.
Molecular consequence: missense variant. On other transcripts: non-coding transcript variant (1).
Genome position (GRCh38, 1-based): chr3:132,688,866, A>G on the plus strand (T>C on the coding strand, the complement: NPHP3 is on the minus strand). VCF-style: chr3-132688866-A-G. GRCh37 (hg19) VCF-style: chr3-132407710-A-G.
Other names: short protein forms L970S.
Identifiers: ClinVar variation 1355513 (VCV001355513.7), dbSNP rs2107967729, ClinGen allele CA354580195.